The following is an entry in ClinVar:

ClinVar aggregate classification (germline): Conflicting classifications of pathogenicity. Review status: criteria provided, conflicting classifications (1 of 4 stars). 2 submissions from 2 submitters: Likely pathogenic (1); Uncertain significance (1). Last evaluated 2025-07-25.

Submissions (2):

Labcorp Genetics (formerly Invitae), Labcorp
Classification: Likely pathogenic. Last evaluated: 2025-07-25. Review status: criteria provided, single submitter. Criteria: Invitae Variant Classification Sherloc (09022015). Collection method: clinical testing. Allele origin: germline.
Comment: This sequence change replaces valine, which is neutral and non-polar, with aspartic acid, which is acidic and polar, at codon 157 of the MUT protein (p.Val157Asp). This variant is not present in population databases (gnomAD no frequency). This missense change has been observed in individuals with methylmalonic aciduria (PMID: 31998365, 33413471). ClinVar contains an entry for this variant (Variation ID: 3251926). Invitae Evidence Modeling of protein sequence and biophysical properties (such as structural, functional, and spatial information, amino acid conservation, physicochemical variation, residue mobility, and thermodynamic stability) indicates that this missense variant is expected to disrupt MUT protein function with a positive predictive value of 95%. In summary, the currently available evidence indicates that the variant is pathogenic, but additional data are needed to prove that conclusively. Therefore, this variant has been classified as Likely Pathogenic.

Women's Health and Genetics/Laboratory Corporation of America, LabCorp
Classification: Uncertain significance. Last evaluated: 2024-04-17. Review status: criteria provided, single submitter. Criteria: LabCorp Variant Classification Summary - May 2015. Collection method: clinical testing. Allele origin: germline.
Comment: Variant summary: MUT c.470T>A (p.Val157Asp) results in a non-conservative amino acid change located in the Methylmalonyl-CoA mutase, alpha chain, catalytic (IPR006098) of the encoded protein sequence. Five of five in-silico tools predict a damaging effect of the variant on protein function. The frequency data for this variant in gnomAD is considered unreliable, as metrics indicate poor data quality at this position. c.470T>A has been reported in the literature in individuals affected with Methylmalonic Acidemia (Zhang_2019, Kang_2020, Yu_2021). These data indicate that the variant may be associated with disease. To our knowledge, no experimental evidence demonstrating an impact on protein function has been reported. The following publications have been ascertained in the context of this evaluation (PMID: 31622506, 34668645, 31998365). No submitters have cited clinical-significance assessments for this variant to ClinVar. Based on the evidence outlined above, the variant was classified as VUS-possibly pathogenic.

Literature cited by the submitters: PubMed 31998365 (cited by Labcorp Genetics (formerly Invitae), Labcorp and Women's Health and Genetics/Laboratory Corporation of America, LabCorp); PubMed 33413471 (cited by Labcorp Genetics (formerly Invitae), Labcorp); PubMed 31622506 (cited by Women's Health and Genetics/Laboratory Corporation of America, LabCorp); PubMed 34668645 (cited by Women's Health and Genetics/Laboratory Corporation of America, LabCorp).

NM_000255.4(MMUT):c.470T>A (p.Val157Asp)

Gene: MMUT (methylmalonyl-CoA mutase; minus strand). Cytogenetic location: 6p12.3.
Variant type: single nucleotide variant.
Coding change: c.470T>A on transcript NM_000255.4 (MANE Select); coding-DNA position 470, T replaced by A.
Protein change: p.Val157Asp; replaces valine 157 with aspartic acid.
Molecular consequence: missense variant.
Genome position (GRCh38, 1-based): chr6:49,457,974, A>T on the plus strand (T>A on the coding strand, the complement: MMUT is on the minus strand). VCF-style: chr6-49457974-A-T. GRCh37 (hg19) VCF-style: chr6-49425687-A-T.
Other names: short protein forms V157D.
Identifiers: ClinVar variation 3251926 (VCV003251926.2), dbSNP rs2481347515.
Genomic context (GRCh38, chr6:49,457,974, plus strand): 5'-ATTCCATCAAAAAGAATTTTGGTATCTTCCACAGTGTCAATAGCAACTCCAGCCATTCCA[A>T]CATCACCACGAACTCGAGGGTTGTCTGAATCATAGCCACGATGTGTCGCCAGATCAAAGG-3'
Protein context (NP_000246.2, residues 147-167): DSDNPRVRGD[Val157Asp]GMAGVAIDTV